The following is an entry in ClinVar:

ClinVar aggregate classification (germline): Uncertain significance (1 of 4 stars; one submission).

Conditions:
Familial acute necrotizing encephalopathy (IIAE3). Also called: ENCEPHALOPATHY, ACUTE, INFECTION-INDUCED, SUSCEPTIBILITY TO, 3; Susceptibility to Acute Necrotizing Encephalopathy 1. Identifiers: Orphanet 88619, MedGen C2675556, MONDO:0011953, OMIM 608033.

Submission:

Labcorp Genetics (formerly Invitae), Labcorp
Classification: Uncertain significance for Familial acute necrotizing encephalopathy. Last evaluated: 2024-02-20. Review status: criteria provided, single submitter. Criteria: Invitae Variant Classification Sherloc (09022015). Collection method: clinical testing. Allele origin: germline.
Comment: This sequence change replaces glycine, which is neutral and non-polar, with serine, which is neutral and polar, at codon 2205 of the RANBP2 protein (p.Gly2205Ser). This variant is present in population databases (rs755789696, gnomAD 0.007%). This variant has not been reported in the literature in individuals affected with RANBP2-related conditions. ClinVar contains an entry for this variant (Variation ID: 1039023). Advanced modeling of protein sequence and biophysical properties (such as structural, functional, and spatial information, amino acid conservation, physicochemical variation, residue mobility, and thermodynamic stability) performed at Invitae indicates that this missense variant is not expected to disrupt RANBP2 protein function with a negative predictive value of 80%. In summary, the available evidence is currently insufficient to determine the role of this variant in disease. Therefore, it has been classified as a Variant of Uncertain Significance.

NM_006267.5(RANBP2):c.6613G>A (p.Gly2205Ser)

Gene: RANBP2 (RAN binding protein 2; plus strand). Cytogenetic location: 2q13.
Variant type: single nucleotide variant.
Coding change: c.6613G>A on transcript NM_006267.5 (MANE Select); coding-DNA position 6613, G replaced by A.
Protein change: p.Gly2205Ser; replaces glycine 2205 with serine.
Molecular consequence: missense variant.
Genome position (GRCh38, 1-based): chr2:108,767,152, G>A. VCF-style: chr2-108767152-G-A. GRCh37 (hg19) VCF-style: chr2-109383608-G-A.
Other names: short protein forms G2205S.
Identifiers: ClinVar variation 1039023 (VCV001039023.9), dbSNP rs755789696, ClinGen allele CA1823462.